The following is an entry in ClinVar:

ClinVar aggregate classification (germline): Uncertain significance (1 of 4 stars; one submission).

Conditions:
Xanthinuria type II. Also called: Xanthine dehydrogenase and aldehyde oxidase combined deficiency of; XDH and AOX dual deficiency. Identifiers: Orphanet 3467, Orphanet 93602, MedGen C1863688, MONDO:0011346, OMIM 603592.

Allele frequency attached by ClinVar (database versions not stated): ExAC 0.00001.
gnomAD v4.1: 7 of 1,613,970 alleles (0.00043%); highest among the groups gnomAD compares: South Asian, 0.0055%; no homozygotes.

Submission:

Labcorp Genetics (formerly Invitae), Labcorp
Classification: Uncertain significance for Xanthinuria type II. Last evaluated: 2023-09-13. Review status: criteria provided, single submitter. Criteria: Invitae Variant Classification Sherloc (09022015). Collection method: clinical testing. Allele origin: germline.
Comment: In summary, the available evidence is currently insufficient to determine the role of this variant in disease. Therefore, it has been classified as a Variant of Uncertain Significance. Advanced modeling of protein sequence and biophysical properties (such as structural, functional, and spatial information, amino acid conservation, physicochemical variation, residue mobility, and thermodynamic stability) performed at Invitae indicates that this missense variant is not expected to disrupt MOCOS protein function. ClinVar contains an entry for this variant (Variation ID: 2056498). This variant has not been reported in the literature in individuals affected with MOCOS-related conditions. This variant is present in population databases (rs773501603, gnomAD 0.007%). This sequence change replaces proline, which is neutral and non-polar, with threonine, which is neutral and polar, at codon 807 of the MOCOS protein (p.Pro807Thr).

NM_017947.4(MOCOS):c.2419C>A (p.Pro807Thr)

Gene: MOCOS (molybdenum cofactor sulfurase; plus strand). Cytogenetic location: 18q12.2.
Variant type: single nucleotide variant.
Coding change: c.2419C>A on transcript NM_017947.4 (MANE Select); coding-DNA position 2419, C replaced by A.
Protein change: p.Pro807Thr; replaces proline 807 with threonine.
Molecular consequence: missense variant.
Genome position (GRCh38, 1-based): chr18:36,266,758, C>A. VCF-style: chr18-36266758-C-A. GRCh37 (hg19) VCF-style: chr18-33846721-C-A.
Other names: short protein forms P807T.
Identifiers: ClinVar variation 2056498 (VCV002056498.4), dbSNP rs773501603, ClinGen allele CA8941058.